The following is an entry in ClinVar:

ClinVar aggregate classification (germline): Pathogenic. Review status: criteria provided, multiple submitters, no conflicts (2 of 4 stars). 4 submissions from 4 submitters: Pathogenic (4). Last evaluated 2024-10-29.

Conditions:
Polycystic kidney disease 2 (PKD2). Also called: Polycystic Kidney Disease 2, Autosomal Dominant; POLYCYSTIC KIDNEY DISEASE, ADULT, TYPE II; POLYCYSTIC KIDNEY DISEASE 2 WITH OR WITHOUT POLYCYSTIC LIVER DISEASE. Identifiers: MedGen C2751306, MONDO:0013131, OMIM 613095.
Autosomal dominant polycystic kidney disease. Identifiers: Orphanet 730, MedGen C0085413, MONDO:0004691.

Allele frequency attached by ClinVar (database versions not stated): TOPMed below 0.00001.

Submissions (4):

Department of Pathology and Laboratory Medicine, Sinai Health System
Classification: Pathogenic for autosomal dominant polycystic kidney disease. Last evaluated: 2024-10-29. Review status: criteria provided, single submitter. Criteria: ACMG Guidelines, 2015. Collection method: clinical testing. Allele origin: germline.

Fulgent Genetics
Classification: Pathogenic for Polycystic kidney disease 2. Last evaluated: 2024-01-30. Review status: criteria provided, single submitter. Criteria: ACMG Guidelines, 2015. Collection method: clinical testing. Allele origin: germline.

GeneDx
Classification: Pathogenic. Last evaluated: 2023-12-19. Review status: criteria provided, single submitter. Criteria: GeneDx Variant Classification Process June 2021. Collection method: clinical testing. Allele origin: germline. Affected: yes.
Comment: Reported in a patient with chronic kidney disease in published literature (PMID: 36938085); Frameshift variant predicted to result in protein truncation or nonsense mediated decay in a gene for which loss-of-function is a known mechanism of disease; Not observed at significant frequency in large population cohorts (gnomAD); This variant is associated with the following publications: (PMID: 36938085)

Labcorp Genetics (formerly Invitae), Labcorp
Classification: Pathogenic for Autosomal dominant polycystic kidney disease. Last evaluated: 2018-11-05. Review status: criteria provided, single submitter. Criteria: Invitae Variant Classification Sherloc (09022015). Collection method: clinical testing. Allele origin: germline.
Comment: For these reasons, this variant has been classified as Pathogenic. Loss-of-function variants in PKD2 are known to be pathogenic (PMID: 17582161, 22863349). This variant has not been reported in the literature in individuals with PKD2-related disease. The frequency data for this variant in the population databases is considered unreliable, as metrics indicate insufficient coverage at this position in the ExAC database. This sequence change creates a premature translational stop signal (p.Glu158Glyfs*75) in the PKD2 gene. It is expected to result in an absent or disrupted protein product.

Literature cited by the submitters: PubMed 17582161 (cited by Labcorp Genetics (formerly Invitae), Labcorp); PubMed 22863349 (cited by Labcorp Genetics (formerly Invitae), Labcorp).

NM_000297.4(PKD2):c.473del (p.Glu158fs)

Genes: PKD2 (polycystin 2, transient receptor potential cation channel; plus strand), LOC129992813 (ATAC-STARR-seq lymphoblastoid silent region 15559; plus strand). Cytogenetic location: 4q22.1.
Variant type: Deletion.
Coding change: c.473del on transcript NM_000297.4 (MANE Select); coding-DNA position 473, one base deleted (A; older notation c.473delA).
Protein change: p.Glu158fs; shifts the reading frame from glutamic acid 158.
Molecular consequence: frameshift variant. On other transcripts: non-coding transcript variant (1).
Genome position (GRCh38, 1-based): chr4:88,008,206, A deleted. VCF-style (leftmost placement, unchanged base first): chr4-88008205-GA-G. GRCh37 (hg19) VCF-style: chr4-88929357-GA-G.
Other names: c.473delA (NM_000297.3); c.473del (NM_000297.3); short protein forms E158fs.
Identifiers: ClinVar variation 639450 (VCV000639450.10), dbSNP rs1578111620, ClinGen allele CA915941903.